The following is an entry in ClinVar:

ClinVar aggregate classification (germline): Likely benign (0 of 4 stars; one submission).

Conditions:
ANTXR1-related disorder. Also called: ANTXR1-related condition.

Submission:

PreventionGenetics, part of Exact Sciences
Classification: Likely benign for ANTXR1-related condition. Last evaluated: 2019-08-09. Review status: no assertion criteria provided. Collection method: clinical testing. Allele origin: germline.
Comment: This variant is classified as likely benign based on ACMG/AMP sequence variant interpretation guidelines (Richards et al. 2015 PMID: 25741868, with internal and published modifications).

NM_032208.3(ANTXR1):c.1089+2097AAG[2]

Gene: ANTXR1 (ANTXR cell adhesion molecule 1; plus strand). Cytogenetic location: 2p13.3.
Variant type: Microsatellite.
Coding change: c.1089+2097AAG[2] on transcript NM_032208.3 (MANE Select); two copies in a row of the 3-base unit AAG starting at c.1089+2097.
Molecular consequence: intron variant. On other transcripts: 3 prime UTR variant (1).
Genome position: GRCh38 VCF-style: chr2-69172385-CAAG-C. GRCh37 (hg19) VCF-style: chr2-69399517-CAAG-C.
Other names: c.*4GAA[2] (NM_053034.2).
Identifiers: ClinVar variation 3055833 (VCV003055833.2), dbSNP rs766309772, ClinGen allele CA1693223.